The following is an entry in ClinVar:

NM_000143.4(FH):c.850A>G (p.Asn284Asp)

Gene: FH (fumarate hydratase; minus strand). Cytogenetic location: 1q43.
Variant type: single nucleotide variant.
Coding change: c.850A>G on transcript NM_000143.4 (MANE Select); coding-DNA position 850, A replaced by G.
Protein change: p.Asn284Asp; replaces asparagine 284 with aspartic acid.
Molecular consequence: missense variant.
Genome position (GRCh38, 1-based): chr1:241,506,057, T>C on the plus strand (A>G on the coding strand, the complement: FH is on the minus strand). VCF-style: chr1-241506057-T-C. GRCh37 (hg19) VCF-style: chr1-241669357-T-C.
Other names: short protein forms N284D.
Identifiers: ClinVar variation 1986533 (VCV001986533.5), dbSNP rs1240119974, ClinGen allele CA345438898.

ClinVar aggregate classification (germline): Uncertain significance. Review status: criteria provided, multiple submitters, no conflicts (2 of 4 stars). 2 submissions from 2 submitters: Uncertain significance (2). Last evaluated 2025-09-19.

Conditions:
Hereditary cancer-predisposing syndrome. Also called: Tumor predisposition; Hereditary neoplastic syndrome; Neoplastic Syndromes, Hereditary; Hereditary Cancer Syndrome. Identifiers: Orphanet 140162, MedGen C0027672, MeSH D009386, MONDO:0015356.

Allele frequency attached by ClinVar (database versions not stated): gnomAD exomes below 0.00001.
gnomAD v4.1: 2 of 1,614,084 alleles (0.00012%); highest among the groups gnomAD compares: Admixed American, 0.0017%; no homozygotes.

Submissions (2):

Labcorp Genetics (formerly Invitae), Labcorp
Classification: Uncertain significance. Last evaluated: 2025-09-19. Review status: criteria provided, single submitter. Criteria: Invitae Variant Classification Sherloc (09022015). Collection method: clinical testing. Allele origin: germline.
Comment: This sequence change replaces asparagine, which is neutral and polar, with aspartic acid, which is acidic and polar, at codon 284 of the FH protein (p.Asn284Asp). This variant is present in population databases (no rsID available, gnomAD 0.003%). This variant has not been reported in the literature in individuals affected with FH-related conditions. ClinVar contains an entry for this variant (Variation ID: 1986533). Invitae Evidence Modeling of protein sequence and biophysical properties (such as structural, functional, and spatial information, amino acid conservation, physicochemical variation, residue mobility, and thermodynamic stability) indicates that this missense variant is expected to disrupt FH protein function with a positive predictive value of 95%. In summary, the available evidence is currently insufficient to determine the role of this variant in disease. Therefore, it has been classified as a Variant of Uncertain Significance.

Ambry Genetics
Classification: Uncertain significance for Hereditary cancer-predisposing syndrome. Last evaluated: 2025-07-16. Review status: criteria provided, single submitter. Criteria: Ambry Variant Classification Scheme 2023. Collection method: clinical testing. Allele origin: germline.
Comment: The p.N284D variant (also known as c.850A>G), located in coding exon 6 of the FH gene, results from an A to G substitution at nucleotide position 850. The asparagine at codon 284 is replaced by aspartic acid, an amino acid with highly similar properties. This amino acid position is highly conserved in available vertebrate species. In addition, this alteration is predicted to be deleterious by in silico analysis. Based on the available evidence, the clinical significance of this variant remains unclear.